The following is an entry in ClinVar:

NM_001148.6(ANK2):c.7956A>T (p.Leu2652Phe)

Genes: ANK2 (ankyrin 2; plus strand), LOC126807137 (CDK7 strongly-dependent group 2 enhancer GRCh37_chr4:114276560-114277759; plus strand). Cytogenetic location: 4q26.
Variant type: single nucleotide variant.
Coding change: c.7956A>T on transcript NM_001148.6 (MANE Select); coding-DNA position 7956, A replaced by T.
Protein change: p.Leu2652Phe; replaces leucine 2652 with phenylalanine.
Molecular consequence: missense variant. On other transcripts: intron variant (68).
Genome position (GRCh38, 1-based): chr4:113,356,574, A>T. VCF-style: chr4-113356574-A-T. GRCh37 (hg19) VCF-style: chr4-114277730-A-T.
Other names: c.7722A>T, p.Leu2574Phe (NM_001386142.1); c.4356A>T, p.Leu1452Phe (NM_001386166.1); c.8097A>T, p.Leu2699Phe (NM_001386174.1); c.8073A>T, p.Leu2691Phe (NM_001386175.1); c.4412-4249A>T (NM_001386186.2, NM_001386148.2); c.4214-4249A>T (NM_001354269.3); c.4292-4249A>T (NM_001386187.2); c.4253-4249A>T (NM_001386147.1); and 35 more; short protein forms L1452F, L2574F, L2652F, L2691F, L2699F.
Identifiers: ClinVar variation 3384505 (VCV003384505.1).

ClinVar aggregate classification (germline): Uncertain significance (1 of 4 stars; one submission).

Submission:

GeneDx
Classification: Uncertain significance. Last evaluated: 2024-06-05. Review status: criteria provided, single submitter. Criteria: GeneDx Variant Classification Process June 2021. Collection method: clinical testing. Allele origin: germline. Affected: yes.
Comment: Not observed at significant frequency in large population cohorts (gnomAD); In silico analysis indicates that this missense variant does not alter protein structure/function; Has not been previously published as pathogenic or benign to our knowledge; Located in exon 38, which is reported as being expressed in a brain-specific transcript (PMID: 1830053, 18790697, 26109584); This variant is associated with the following publications: (PMID: 1830053, 18790697, 26109584)